The following is an entry in ClinVar:

ClinVar aggregate classification (germline): Uncertain significance (1 of 4 stars; one submission).

Submission:

Labcorp Genetics (formerly Invitae), Labcorp
Classification: Uncertain significance. Last evaluated: 2022-12-22. Review status: criteria provided, single submitter. Criteria: Invitae Variant Classification Sherloc (09022015). Collection method: clinical testing. Allele origin: germline.
Comment: Variants that disrupt the consensus splice site are a relatively common cause of aberrant splicing (PMID: 17576681, 9536098). Algorithms developed to predict the effect of sequence changes on RNA splicing suggest that this variant is not likely to affect RNA splicing. In summary, the available evidence is currently insufficient to determine the role of this variant in disease. Therefore, it has been classified as a Variant of Uncertain Significance. This variant has not been reported in the literature in individuals affected with PDE10A-related conditions. This variant is not present in population databases (gnomAD no frequency). This sequence change falls in intron 12 of the PDE10A gene. It does not directly change the encoded amino acid sequence of the PDE10A protein. It affects a nucleotide within the consensus splice site.

Literature cited by the submitters: PubMed 17576681; PubMed 9536098.

NM_001385079.1(PDE10A):c.1889+6A>T

Gene: PDE10A (phosphodiesterase 10A; minus strand). Cytogenetic location: 6q27.
Variant type: single nucleotide variant.
Coding change: c.1889+6A>T on transcript NM_001385079.1 (MANE Select); 6 bases into the intron after coding-DNA position 1889, A replaced by T.
Molecular consequence: intron variant.
Genome position (GRCh38, 1-based): chr6:165,416,183, T>A on the plus strand (A>T on the coding strand, the complement: PDE10A is on the minus strand). VCF-style: chr6-165416183-T-A. GRCh37 (hg19) VCF-style: chr6-165829671-T-A.
Other names: c.1091+6A>T (NM_001130690.3); c.1061+6A>T (NM_006661.4).
Identifiers: ClinVar variation 2823246 (VCV002823246.3), dbSNP rs2533870183, ClinGen allele CA2739266219.